The following is an entry in ClinVar:

ClinVar aggregate classification (germline): Uncertain significance (1 of 4 stars; one submission).

Allele frequency attached by ClinVar (database versions not stated): TOPMed 0.00001.
gnomAD v4.1: 1 of 1,614,010 alleles (0.000062%); highest among the groups gnomAD compares: Non-Finnish European, 0.000085%; no homozygotes.

Submission:

Labcorp Genetics (formerly Invitae), Labcorp
Classification: Uncertain significance. Last evaluated: 2022-02-03. Review status: criteria provided, single submitter. Criteria: Invitae Variant Classification Sherloc (09022015). Collection method: clinical testing. Allele origin: germline.
Comment: This sequence change replaces glutamine, which is neutral and polar, with arginine, which is basic and polar, at codon 31 of the LCA5 protein (p.Gln31Arg). This variant is not present in population databases (gnomAD no frequency). This variant has not been reported in the literature in individuals affected with LCA5-related conditions. Algorithms developed to predict the effect of missense changes on protein structure and function output the following: SIFT: "Tolerated"; PolyPhen-2: "Benign"; Align-GVGD: "Class C0". The arginine amino acid residue is found in multiple mammalian species, which suggests that this missense change does not adversely affect protein function. In summary, the available evidence is currently insufficient to determine the role of this variant in disease. Therefore, it has been classified as a Variant of Uncertain Significance.

NM_001122769.3(LCA5):c.92A>G (p.Gln31Arg)

Gene: LCA5 (lebercilin LCA5; minus strand). Cytogenetic location: 6q14.1.
Variant type: single nucleotide variant.
Coding change: c.92A>G on transcript NM_001122769.3 (MANE Select); coding-DNA position 92, A replaced by G.
Protein change: p.Gln31Arg; replaces glutamine 31 with arginine.
Molecular consequence: missense variant.
Genome position (GRCh38, 1-based): chr6:79,518,803, T>C on the plus strand (A>G on the coding strand, the complement: LCA5 is on the minus strand). VCF-style: chr6-79518803-T-C. GRCh37 (hg19) VCF-style: chr6-80228520-T-C.
Other names: c.92A>G, p.Gln31Arg (NM_181714.4); short protein forms Q31R.
Identifiers: ClinVar variation 1443828 (VCV001443828.5), dbSNP rs1322890097, ClinGen allele CA364631789.
Genomic context (GRCh38, chr6:79,518,803, plus strand): 5'-GGATTTTTTCTCCTAACACTTGCAGGTGAAGAACTGACCAGCGATGATCGGCCAGAAGAC[T>C]GTGGCGTTTCAAAATCAGATAAGTAAGAATAATGGTGTTTGCCTGCCTTTCTTTCTTGAT-3'
Protein context (NP_001116241.1, residues 21-41): YSYLSDFETP[Gln31Arg]SSGRSSLVSS